The following is an entry in ClinVar:

NM_003036.4(SKI):c.2168C>A (p.Ala723Asp)

Gene: SKI (SKI proto-oncogene; plus strand). Cytogenetic location: 1p36.32.
Variant type: single nucleotide variant.
Coding change: c.2168C>A on transcript NM_003036.4 (MANE Select); coding-DNA position 2168, C replaced by A.
Protein change: p.Ala723Asp; replaces alanine 723 with aspartic acid.
Molecular consequence: missense variant.
Genome position (GRCh38, 1-based): chr1:2,306,746, C>A. VCF-style: chr1-2306746-C-A. GRCh37 (hg19) VCF-style: chr1-2238185-C-A.
Other names: short protein forms A723D.
Identifiers: ClinVar variation 520155 (VCV000520155.13), dbSNP rs1264586139, ClinGen allele CA337959888.

ClinVar aggregate classification (germline): Uncertain significance. Review status: criteria provided, multiple submitters, no conflicts (2 of 4 stars). 2 submissions from 2 submitters: Uncertain significance (2). Last evaluated 2025-09-05.

Conditions:
Shprintzen-Goldberg syndrome (SGS). Also called: CRANIOSYNOSTOSIS WITH ARACHNODACTYLY AND ABDOMINAL HERNIAS; Marfanoid disorder with craniosynostosis type 1; Marfanoid craniosynostosis syndrome; Shprintzen-Goldberg marfanoid syndrome; SHPRINTZEN-GOLDBERG CRANIOSYNOSTOSIS SYNDROME. Identifiers: Orphanet 2462, MedGen C1321551, MONDO:0008426, OMIM 182212.
Familial thoracic aortic aneurysm and aortic dissection (TAAD). Also called: Thoracic aortic aneurysms and dissections. Identifiers: Orphanet 91387, MedGen C4707243, MONDO:0019625.

Allele frequency attached by ClinVar (database versions not stated): gnomAD 0.00001.
gnomAD v4.1: 4 of 1,525,186 alleles (0.00026%); highest among the groups gnomAD compares: Non-Finnish European, 0.00035%; no homozygotes.

Submissions (2):

Labcorp Genetics (formerly Invitae), Labcorp
Classification: Uncertain significance for Shprintzen-Goldberg syndrome. Last evaluated: 2025-09-05. Review status: criteria provided, single submitter. Criteria: Invitae Variant Classification Sherloc (09022015). Collection method: clinical testing. Allele origin: germline.
Comment: This sequence change replaces alanine, which is neutral and non-polar, with aspartic acid, which is acidic and polar, at codon 723 of the SKI protein (p.Ala723Asp). This variant is present in population databases (no rsID available, gnomAD 0.002%). This variant has not been reported in the literature in individuals affected with SKI-related conditions. ClinVar contains an entry for this variant (Variation ID: 520155). Invitae Evidence Modeling of protein sequence and biophysical properties (such as structural, functional, and spatial information, amino acid conservation, physicochemical variation, residue mobility, and thermodynamic stability) indicates that this missense variant is not expected to disrupt SKI protein function with a negative predictive value of 95%. In summary, the available evidence is currently insufficient to determine the role of this variant in disease. Therefore, it has been classified as a Variant of Uncertain Significance.

Ambry Genetics
Classification: Uncertain significance for Familial thoracic aortic aneurysm and aortic dissection. Last evaluated: 2016-08-17. Review status: criteria provided, single submitter. Criteria: Ambry Variant Classification Scheme 2023. Collection method: clinical testing. Allele origin: germline.
Comment: The p.A723D variant (also known as c.2168C>A), located in coding exon 7 of the SKI gene, results from a C to A substitution at nucleotide position 2168. The alanine at codon 723 is replaced by aspartic acid, an amino acid with dissimilar properties. This variant was not reported in population based cohorts in the following databases: Database of Single Nucleotide Polymorphisms (dbSNP), NHLBI Exome Sequencing Project (ESP), and 1000 Genomes Project. In the ESP, this variant was not observed in 3637 samples (7274 alleles) with coverage at this position. This amino acid position is poorly conserved in available vertebrate species. In addition, this alteration is predicted to be tolerated by in silico analysis. Since supporting evidence is limited at this time, the clinical significance of this variant remains unclear.